The following is an entry in ClinVar:

ClinVar aggregate classification (germline): Likely pathogenic (1 of 4 stars; one submission).

Submission:

GeneDx
Classification: Likely pathogenic. Last evaluated: 2022-07-13. Review status: criteria provided, single submitter. Criteria: GeneDx Variant Classification Process June 2021. Collection method: clinical testing. Allele origin: germline. Affected: yes.
Comment: Frameshift variant in the C-terminus predicted to result in protein truncation, as the last 318 amino acids are lost and replaced with 194 incorrect amino acids, and other loss-of-function variants have been reported downstream in Human Gene Mutation Database (HGMD); Not observed in large population cohorts (gnomAD); Has not been previously published as pathogenic or benign to our knowledge

NM_005859.5(PURA):c.15_16del (p.Asp5fs)

Gene: PURA (purine rich element binding protein A; plus strand). Cytogenetic location: 5q31.3.
Variant type: Deletion.
Coding change: c.15_16del on transcript NM_005859.5 (MANE Select); coding-DNA positions 15 to 16, 2 bases deleted (CA; older notation c.15_16delCA).
Protein change: p.Asp5fs; shifts the reading frame from aspartic acid 5.
Molecular consequence: frameshift variant.
Genome position (GRCh38, 1-based): chr5:140,114,196-140,114,197, CA deleted; deleting any 2 consecutive bases within chr5:140,114,195-140,114,197 gives the same sequence; the c. name uses the placement nearest the transcript's 3' end. VCF-style (leftmost placement, unchanged base first): chr5-140114194-GAC-G. GRCh37 (hg19) VCF-style: chr5-139493779-GAC-G.
Other names: short protein forms D5fs.
Identifiers: ClinVar variation 1696911 (VCV001696911.2), dbSNP rs2126748513, ClinGen allele CA2580072953.